The following is an entry in ClinVar:

NM_002474.3(MYH11):c.5121C>A (p.Asp1707Glu)

Genes: MYH11 (myosin heavy chain 11; minus strand), NDE1 (nudE neurodevelopment protein 1; plus strand). Cytogenetic location: 16p13.11.
Variant type: single nucleotide variant.
Coding change: c.5121C>A on transcript NM_002474.3 (MANE Select); coding-DNA position 5121, C replaced by A.
Protein change: p.Asp1707Glu; replaces aspartic acid 1707 with glutamic acid.
Molecular consequence: missense variant. On other transcripts: intron variant (2).
Genome position (GRCh38, 1-based): chr16:15,719,270, G>T on the plus strand (C>A on the coding strand, the complement: MYH11 is on the minus strand). VCF-style: chr16-15719270-G-T. GRCh37 (hg19) VCF-style: chr16-15813127-G-T.
Other names: c.5142C>A, p.Asp1714Glu (NM_001040113.2, NM_001040114.2); c.5121C>A, p.Asp1707Glu (NM_022844.3); c.948-4921G>T (NM_001143979.2, NM_017668.3); short protein forms D1707E, D1714E.
Identifiers: ClinVar variation 3075190 (VCV003075190.1), dbSNP rs762146153, ClinGen allele CA394850861.

ClinVar aggregate classification (germline): Uncertain significance (1 of 4 stars; one submission).

Conditions:
Familial thoracic aortic aneurysm and aortic dissection (TAAD). Also called: Thoracic aortic aneurysms and dissections. Identifiers: Orphanet 91387, MedGen C4707243, MONDO:0019625.

gnomAD v4.1: 2 of 1,613,174 alleles (0.00012%); highest among the groups gnomAD compares: Non-Finnish European, 0.00017%; no homozygotes.

Submission:

All of Us Research Program, National Institutes of Health
Classification: Uncertain significance for Familial thoracic aortic aneurysm and aortic dissection. Last evaluated: 2023-12-18. Review status: criteria provided, single submitter. Criteria: ACMG Guidelines, 2015. Collection method: clinical testing. Allele origin: germline. Inheritance: Autosomal dominant inheritance. Observed: 1 variant allele, 1 heterozygote.
Comment: This missense variant replaces aspartic acid with glutamic acid at codon 1714 of the MYH11 protein. Computational prediction tool indicates that this variant may have a neutral impact on protein structure and function. To our knowledge, functional studies have not been reported for this variant. This variant has not been reported in individuals affected with MYH11-related disorders in the literature. This variant has not been identified in the general population by the Genome Aggregation Database (gnomAD). The available evidence is insufficient to determine the role of this variant in disease conclusively. Therefore, this variant is classified as a Variant of Uncertain Significance.

This study involves interpretation of variants in research participants for the purpose of population health screening. Participant phenotype was not available at the time of variant classification. Additional details can be found in publication PMID: 35346344, PMCID: PMC8962531